The following is an entry in ClinVar:

ClinVar aggregate classification (germline): Uncertain significance (1 of 4 stars; one submission).

Conditions:
DICER1-related tumor predisposition. Also called: DICER1 syndrome; DICER1-related pleuropulmonary blastoma cancer predisposition syndrome. Identifiers: Orphanet 284343, MedGen C3839822, MONDO:0100216.

Submission:

Labcorp Genetics (formerly Invitae), Labcorp
Classification: Uncertain significance for DICER1-related tumor predisposition. Last evaluated: 2019-02-19. Review status: criteria provided, single submitter. Criteria: Invitae Variant Classification Sherloc (09022015). Collection method: clinical testing. Allele origin: germline.
Comment: In summary, the available evidence is currently insufficient to determine the role of this variant in disease. Therefore, it has been classified as a Variant of Uncertain Significance. Algorithms developed to predict the effect of missense changes on protein structure and function (SIFT, PolyPhen-2, Align-GVGD) all suggest that this variant is likely to be tolerated, but these predictions have not been confirmed by published functional studies and their clinical significance is uncertain. This variant has not been reported in the literature in individuals with DICER1-related conditions. This variant is not present in population databases (ExAC no frequency). This sequence change replaces asparagine with lysine at codon 233 of the DICER1 protein (p.Asn233Lys). The asparagine residue is moderately conserved and there is a moderate physicochemical difference between asparagine and lysine.

NM_177438.3(DICER1):c.699T>G (p.Asn233Lys)

Gene: DICER1 (dicer 1, ribonuclease III; minus strand). Cytogenetic location: 14q32.13.
Variant type: single nucleotide variant.
Coding change: c.699T>G on transcript NM_177438.3 (MANE Select); coding-DNA position 699, T replaced by G.
Protein change: p.Asn233Lys; replaces asparagine 233 with lysine.
Molecular consequence: missense variant.
Genome position (GRCh38, 1-based): chr14:95,129,507, A>C on the plus strand (T>G on the coding strand, the complement: DICER1 is on the minus strand). VCF-style: chr14-95129507-A-C. GRCh37 (hg19) VCF-style: chr14-95595844-A-C.
Other names: c.699T>G, p.Asn233Lys (NM_001195573.1, NM_001271282.3, NM_001291628.2 and 1 more transcripts); short protein forms N233K.
Identifiers: ClinVar variation 844927 (VCV000844927.11), dbSNP rs1893764845, ClinGen allele CA390888030.